The following is an entry in ClinVar:

NM_000388.4(CASR):c.265C>A (p.Pro89Thr)

Gene: CASR (calcium sensing receptor; plus strand). Cytogenetic location: 3q21.1.
Variant type: single nucleotide variant.
Coding change: c.265C>A on transcript NM_000388.4 (MANE Select); coding-DNA position 265, C replaced by A.
Protein change: p.Pro89Thr; replaces proline 89 with threonine.
Molecular consequence: missense variant.
Genome position (GRCh38, 1-based): chr3:122,257,160, C>A. VCF-style: chr3-122257160-C-A. GRCh37 (hg19) VCF-style: chr3-121976007-C-A.
Other names: c.265C>A, p.Pro89Thr (NM_001178065.2); short protein forms P89T.
Identifiers: ClinVar variation 1017426 (VCV001017426.11), dbSNP rs2074563203, ClinGen allele CA354362521.

ClinVar aggregate classification (germline): Uncertain significance. Review status: criteria provided, multiple submitters, no conflicts (2 of 4 stars). 2 submissions from 2 submitters: Uncertain significance (2). Last evaluated 2022-06-03.

Conditions:
Autosomal dominant hypocalcemia 1 (HYPOC1). Also called: HYPOCALCEMIA, FAMILIAL. Identifiers: MedGen C3715128, MONDO:0011013, OMIM 601198.
Familial hypocalciuric hypercalcemia (FHH). Also called: Familial benign hypercalcemia. Identifiers: Orphanet 405, MedGen C1809471, MONDO:0018458.
Nephrolithiasis/nephrocalcinosis. Identifiers: MedGen CN580796.

Submissions (2):

Ambry Genetics
Classification: Uncertain significance for Nephrolithiasis/nephrocalcinosis. Last evaluated: 2022-06-03. Review status: criteria provided, single submitter. Criteria: Ambry Variant Classification Scheme 2023. Collection method: clinical testing. Allele origin: germline.
Comment: The p.P89T variant (also known as c.265C>A), located in coding exon 2 of the CASR gene, results from a C to A substitution at nucleotide position 265. The proline at codon 89 is replaced by threonine, an amino acid with highly similar properties. This amino acid position is conserved. In addition, this alteration is predicted to be deleterious by in silico analysis. Since supporting evidence is limited at this time, the clinical significance of this alteration remains unclear.

Labcorp Genetics (formerly Invitae), Labcorp
Classification: Uncertain significance for Familial hypocalciuric hypercalcemia; Autosomal dominant hypocalcemia 1. Last evaluated: 2022-05-11. Review status: criteria provided, single submitter. Criteria: Invitae Variant Classification Sherloc (09022015). Collection method: clinical testing. Allele origin: germline.
Comment: In summary, the available evidence is currently insufficient to determine the role of this variant in disease. Therefore, it has been classified as a Variant of Uncertain Significance. Algorithms developed to predict the effect of missense changes on protein structure and function (SIFT, PolyPhen-2, Align-GVGD) all suggest that this variant is likely to be disruptive. ClinVar contains an entry for this variant (Variation ID: 1017426). This variant has not been reported in the literature in individuals affected with CASR-related conditions. This variant is not present in population databases (gnomAD no frequency). This sequence change replaces proline, which is neutral and non-polar, with threonine, which is neutral and polar, at codon 89 of the CASR protein (p.Pro89Thr).